The following is an entry in ClinVar:

NM_144670.6(A2ML1):c.1154G>T (p.Gly385Val)

Gene: A2ML1 (alpha-2-macroglobulin like 1; plus strand). Cytogenetic location: 12p13.31.
Variant type: single nucleotide variant.
Coding change: c.1154G>T on transcript NM_144670.6 (MANE Select); coding-DNA position 1154, G replaced by T.
Protein change: p.Gly385Val; replaces glycine 385 with valine.
Molecular consequence: missense variant.
Genome position (GRCh38, 1-based): chr12:8,841,442, G>T. VCF-style: chr12-8841442-G-T. GRCh37 (hg19) VCF-style: chr12-8994038-G-T.
Other names: short protein forms G385V.
Identifiers: ClinVar variation 1492863 (VCV001492863.6), dbSNP rs866399982, ClinGen allele CA383824615.

ClinVar aggregate classification (germline): Uncertain significance (1 of 4 stars; one submission).

Allele frequency attached by ClinVar (database versions not stated): gnomAD 0.00001.
gnomAD v4.1: 2 of 1,613,972 alleles (0.00012%); highest among the groups gnomAD compares: East Asian, 0.0022%; no homozygotes.

Submission:

Labcorp Genetics (formerly Invitae), Labcorp
Classification: Uncertain significance. Last evaluated: 2022-07-19. Review status: criteria provided, single submitter. Criteria: Invitae Variant Classification Sherloc (09022015). Collection method: clinical testing. Allele origin: germline.
Comment: This variant has not been reported in the literature in individuals affected with A2ML1-related conditions. In summary, the available evidence is currently insufficient to determine the role of this variant in disease. Therefore, it has been classified as a Variant of Uncertain Significance. Algorithms developed to predict the effect of sequence changes on RNA splicing suggest that this variant may create or strengthen a splice site. Algorithms developed to predict the effect of missense changes on protein structure and function (SIFT, PolyPhen-2, Align-GVGD) all suggest that this variant is likely to be tolerated. ClinVar contains an entry for this variant (Variation ID: 1492863). This variant is present in population databases (no rsID available, gnomAD 0.06%). This sequence change replaces glycine, which is neutral and non-polar, with valine, which is neutral and non-polar, at codon 385 of the A2ML1 protein (p.Gly385Val).